The following is an entry in ClinVar:

NM_000144.5(FXN):c.54A>G (p.Pro18=)

Genes: FXN (frataxin; plus strand), LOC130001862 (ATAC-STARR-seq lymphoblastoid silent region 19931; plus strand). Cytogenetic location: 9q21.11.
Variant type: single nucleotide variant.
Coding change: c.54A>G on transcript NM_000144.5 (MANE Select); coding-DNA position 54, A replaced by G.
Protein change: p.Pro18=; no amino-acid change (proline 18 retained).
Molecular consequence: synonymous variant.
Genome position (GRCh38, 1-based): chr9:69,035,836, A>G. VCF-style: chr9-69035836-A-G. GRCh37 (hg19) VCF-style: chr9-71650752-A-G.
Other names: c.54A>G, p.Pro18= (NM_181425.3).
Identifiers: ClinVar variation 129120 (VCV000129120.37), dbSNP rs2481598, ClinGen allele CA152917.

ClinVar aggregate classification (germline): Benign. Review status: criteria provided, multiple submitters, no conflicts (2 of 4 stars). 14 submissions from 14 submitters: Benign (9). 5 of the submissions do not count toward it. Last evaluated 2026-01-28.

Conditions:
Inborn genetic diseases. Identifiers: MedGen C0950123, MeSH D030342.
Friedreich ataxia 1 (FRDA1). Identifiers: Orphanet 95, MedGen C1856689, MONDO:0100340, OMIM 229300.

Allele frequency attached by ClinVar (database versions not stated): 1000 Genomes Project 30x 0.98314; 1000 Genomes Project 0.98482; TOPMed 0.98487; gnomAD 0.98511 and 0.98606; gnomAD exomes 0.99789; ExAC 0.99934.
gnomAD v4.1: 1,507,729 of 1,511,616 alleles (100%); highest among the groups gnomAD compares: East Asian, 100%; 752,000 homozygotes.

Submissions (14):

Labcorp Genetics (formerly Invitae), Labcorp
Classification: Benign. Last evaluated: 2026-01-28. Review status: criteria provided, single submitter. Criteria: Invitae Variant Classification Sherloc (09022015). Collection method: clinical testing. Allele origin: germline.

Blueprint Genetics
Classification: Benign. Last evaluated: 2024-11-27. Review status: criteria provided, single submitter. Criteria: ACMG Guidelines, 2015. Collection method: clinical testing. Allele origin: germline.

ARUP Laboratories, Molecular Genetics and Genomics, ARUP Laboratories
Classification: Benign. Last evaluated: 2023-11-29. Review status: criteria provided, single submitter. Criteria: ARUP Molecular Germline Variant Investigation Process 2024. Collection method: clinical testing. Allele origin: germline.

Genome-Nilou Lab
Classification: Benign for Friedreich ataxia 1. Last evaluated: 2021-08-10. Review status: criteria provided, single submitter. Criteria: ACMG Guidelines, 2015. Collection method: clinical testing. Allele origin: germline. Affected: no.

GeneDx
Classification: Benign. Last evaluated: 2019-08-05. Review status: criteria provided, single submitter. Criteria: GeneDx Variant Classification Process June 2021. Collection method: clinical testing. Allele origin: germline. Affected: yes.

Athena Diagnostics
Classification: Benign. Last evaluated: 2019-03-01. Review status: criteria provided, single submitter. Criteria: Athena Diagnostics Criteria. Collection method: clinical testing. Allele origin: germline.

Eurofins Ntd Llc (ga)
Classification: Benign. Last evaluated: 2016-03-18. Review status: criteria provided, single submitter. Criteria: EGL Classification Definitions 2015. Collection method: clinical testing. Allele origin: germline. Observed: 32 variant alleles, 32 homozygotes.

Ambry Genetics
Classification: Benign for Inborn genetic diseases. Last evaluated: 2015-03-11. Review status: criteria provided, single submitter. Criteria: Ambry Variant Classification Scheme 2023. Collection method: clinical testing. Allele origin: germline.

Breakthrough Genomics
Classification: Benign. Review status: criteria provided, single submitter. Criteria: ACMG Guidelines, 2015. Collection method: not provided. Allele origin: germline. Inheritance: Autosomal recessive inheritance. Affected: yes.

Mayo Clinic Laboratories, Mayo Clinic
Classification: Benign. Last evaluated: 2016-02-15. Review status: no assertion criteria provided. Collection method: clinical testing. Allele origin: unknown. Not counted in ClinVar's aggregate classification.

Clinical Genetics DNA and cytogenetics Diagnostics Lab, Erasmus MC, Erasmus Medical Center
Classification: Benign. Review status: no assertion criteria provided. Collection method: clinical testing. Allele origin: germline. Affected: yes. Study: VKGL Data-share Consensus. Not counted in ClinVar's aggregate classification.

Diagnostic Laboratory, Department of Genetics, University Medical Center Groningen
Classification: Benign for Friedreich ataxia 1. Review status: no assertion criteria provided. Collection method: clinical testing. Allele origin: germline. Affected: yes. Study: VKGL Data-share Consensus. Not counted in ClinVar's aggregate classification.

Genetic Services Laboratory, University of Chicago
Classification: Likely benign for AllHighlyPenetrant. Review status: no assertion criteria provided. Collection method: clinical testing. Allele origin: germline. Inheritance: Autosomal recessive inheritance. Not counted in ClinVar's aggregate classification.
Comment: Likely benign based on allele frequency in 1000 Genomes Project or ESP global frequency and its presence in a patient with a rare or unrelated disease phenotype. NOT Sanger confirmed.

Joint Genome Diagnostic Labs from Nijmegen and Maastricht, Radboudumc and MUMC+
Classification: Benign. Review status: no assertion criteria provided. Collection method: clinical testing. Allele origin: germline. Affected: yes. Study: VKGL Data-share Consensus. Not counted in ClinVar's aggregate classification.